The following is an entry in ClinVar:

ClinVar aggregate classification (germline): Uncertain significance (0 of 4 stars; one submission).

Conditions:
PLXNA1-related disorder. Also called: PLXNA1-related condition.

gnomAD v4.1: 15 of 1,613,254 alleles (0.00093%); highest among the groups gnomAD compares: East Asian, 0.0089%; no homozygotes.

Submission:

PreventionGenetics, part of Exact Sciences
Classification: Uncertain significance for PLXNA1-related condition. Last evaluated: 2024-08-13. Review status: no assertion criteria provided. Collection method: clinical testing. Allele origin: germline.
Comment: The PLXNA1 c.928C>T variant is predicted to result in the amino acid substitution p.Arg310Cys. To our knowledge, this variant has not been reported in the literature. This variant is reported in 0.010% of alleles in individuals of East Asian descent in gnomAD. At this time, the clinical significance of this variant is uncertain due to the absence of conclusive functional and genetic evidence.

NM_032242.4(PLXNA1):c.928C>T (p.Arg310Cys)

Gene: PLXNA1 (plexin A1; plus strand). Cytogenetic location: 3q21.3.
Variant type: single nucleotide variant.
Coding change: c.928C>T on transcript NM_032242.4 (MANE Select); coding-DNA position 928, C replaced by T.
Protein change: p.Arg310Cys; replaces arginine 310 with cysteine.
Molecular consequence: missense variant.
Genome position (GRCh38, 1-based): chr3:126,989,521, C>T. VCF-style: chr3-126989521-C-T. GRCh37 (hg19) VCF-style: chr3-126708364-C-T.
Other names: short protein forms R310C.
Identifiers: ClinVar variation 3351931 (VCV003351931.1).